The following is an entry in ClinVar:

NM_003107.3(SOX4):c.1308C>G (p.Phe436Leu)

Gene: SOX4 (SRY-box transcription factor 4; plus strand). Cytogenetic location: 6p22.3.
Variant type: single nucleotide variant.
Coding change: c.1308C>G on transcript NM_003107.3 (MANE Select); coding-DNA position 1308, C replaced by G.
Protein change: p.Phe436Leu; replaces phenylalanine 436 with leucine.
Molecular consequence: missense variant.
Genome position (GRCh38, 1-based): chr6:21,595,842, C>G. VCF-style: chr6-21595842-C-G. GRCh37 (hg19) VCF-style: chr6-21596073-C-G.
Other names: c.1308C>G (NM_003107.2); short protein forms F436L.
Identifiers: ClinVar variation 3026148 (VCV003026148.23), dbSNP rs748365569, ClinGen allele CA363272371.

ClinVar aggregate classification (germline): Uncertain significance. Review status: criteria provided, multiple submitters, no conflicts (2 of 4 stars). 2 submissions from 2 submitters: Uncertain significance (2). Last evaluated 2024-07-08.

Submissions (2):

GeneDx
Classification: Uncertain significance. Last evaluated: 2024-07-08. Review status: criteria provided, single submitter. Criteria: GeneDx Variant Classification Process June 2021. Collection method: clinical testing. Allele origin: germline. Affected: yes.
Comment: Not observed at significant frequency in large population cohorts (gnomAD); In silico analysis supports that this missense variant has a deleterious effect on protein structure/function; Has not been previously published as pathogenic or benign to our knowledge

CeGaT Center for Human Genetics Tuebingen
Classification: Uncertain significance. Last evaluated: 2024-02-01. Review status: criteria provided, single submitter. Criteria: CeGaT Center For Human Genetics Tuebingen Variant Classification Criteria Version 2. Collection method: clinical testing. Allele origin: germline. Affected: yes. Observed: 1 variant allele.
Comment: SOX4: PM2, BP5